The following is an entry in ClinVar:

NM_002645.4(PIK3C2A):c.1715G>A (p.Arg572Gln)

Gene: PIK3C2A (phosphatidylinositol-4-phosphate 3-kinase catalytic subunit type 2 alpha; minus strand). Cytogenetic location: 11p15.1.
Variant type: single nucleotide variant.
Coding change: c.1715G>A on transcript NM_002645.4 (MANE Select); coding-DNA position 1715, G replaced by A.
Protein change: p.Arg572Gln; replaces arginine 572 with glutamine.
Molecular consequence: missense variant.
Genome position (GRCh38, 1-based): chr11:17,136,615, C>T on the plus strand (G>A on the coding strand, the complement: PIK3C2A is on the minus strand). VCF-style: chr11-17136615-C-T. GRCh37 (hg19) VCF-style: chr11-17158162-C-T.
Other names: c.1715G>A, p.Arg572Gln (NM_001321378.2, NM_001386870.1); c.575G>A, p.Arg192Gln (NM_001321380.2); short protein forms R572Q, R192Q.
Identifiers: ClinVar variation 1899756 (VCV001899756.4), dbSNP rs764587414, ClinGen allele CA5901271.

ClinVar aggregate classification (germline): Uncertain significance (1 of 4 stars; one submission).

Allele frequency attached by ClinVar (database versions not stated): gnomAD 0.00001; ExAC 0.00002; gnomAD exomes 0.00002; TOPMed 0.00002.
gnomAD v4.1: 25 of 1,567,514 alleles (0.0016%); highest among the groups gnomAD compares: East Asian, 0.0022%; no homozygotes.

Submission:

Labcorp Genetics (formerly Invitae), Labcorp
Classification: Uncertain significance. Last evaluated: 2023-08-10. Review status: criteria provided, single submitter. Criteria: Invitae Variant Classification Sherloc (09022015). Collection method: clinical testing. Allele origin: germline.
Comment: In summary, the available evidence is currently insufficient to determine the role of this variant in disease. Therefore, it has been classified as a Variant of Uncertain Significance. An algorithm developed to predict the effect of missense changes on protein structure and function (PolyPhen-2) suggests that this variant¬†is likely to be tolerated. ClinVar contains an entry for this variant (Variation ID: 1899756). This variant has not been reported in the literature in individuals affected with PIK3C2A-related conditions. This variant is present in population databases (rs764587414, gnomAD 0.01%). This sequence change replaces arginine, which is basic and polar, with glutamine, which is neutral and polar, at codon 572 of the PIK3C2A protein (p.Arg572Gln).